The following is an entry in ClinVar:

NM_014908.4(DOLK):c.1274C>G (p.Pro425Arg)

Gene: DOLK (dolichol kinase; minus strand). Cytogenetic location: 9q34.11.
Variant type: single nucleotide variant.
Coding change: c.1274C>G on transcript NM_014908.4 (MANE Select); coding-DNA position 1274, C replaced by G.
Protein change: p.Pro425Arg; replaces proline 425 with arginine.
Molecular consequence: missense variant.
Genome position (GRCh38, 1-based): chr9:128,946,030, G>C on the plus strand (C>G on the coding strand, the complement: DOLK is on the minus strand). VCF-style: chr9-128946030-G-C. GRCh37 (hg19) VCF-style: chr9-131708309-G-C.
Other names: short protein forms P425R.
Identifiers: ClinVar variation 4755744 (VCV004755744.1).

ClinVar aggregate classification (germline): Uncertain significance (1 of 4 stars; one submission).

Submission:

GeneDx
Classification: Uncertain significance. Last evaluated: 2025-08-05. Review status: criteria provided, single submitter. Criteria: GeneDx Variant Classification Process June 2021. Collection method: clinical testing. Allele origin: germline. Affected: yes.
Comment: Not observed at significant frequency in large population cohorts (gnomAD); In silico analysis suggests that this missense variant does not alter protein structure/function; Has not been previously published as pathogenic or benign to our knowledge